The following is an entry in ClinVar:

ClinVar aggregate classification (germline): Uncertain significance (1 of 4 stars; one submission).

Conditions:
MEGF8-related disorder. Also called: MEGF8-related condition.

gnomAD v4.1: 2 of 1,564,712 alleles (0.00013%); highest among the groups gnomAD compares: Admixed American, 0.0019%; no homozygotes.

Submission:

PreventionGenetics, part of Exact Sciences
Classification: Uncertain significance for MEGF8-related condition. Last evaluated: 2026-09-19. Review status: criteria provided, single submitter. Criteria: ACMG Guidelines, 2015. Collection method: clinical testing. Allele origin: germline.
Comment: The MEGF8 c.2965G>A variant is predicted to result in the amino acid substitution p.Gly989Ser. To our knowledge, this variant has not been reported in the literature or in a large population database (gnomAD), indicating this variant is rare. At this time, the clinical significance of this variant is uncertain due to the absence of conclusive functional and genetic evidence.

NM_001271938.2(MEGF8):c.3166G>A (p.Gly1056Ser)

Gene: MEGF8 (multiple EGF like domains 8; plus strand). Cytogenetic location: 19q13.2.
Variant type: single nucleotide variant.
Coding change: c.3166G>A on transcript NM_001271938.2 (MANE Select); coding-DNA position 3166, G replaced by A.
Protein change: p.Gly1056Ser; replaces glycine 1056 with serine.
Molecular consequence: missense variant.
Genome position (GRCh38, 1-based): chr19:42,352,272, G>A. VCF-style: chr19-42352272-G-A. GRCh37 (hg19) VCF-style: chr19-42856424-G-A.
Other names: c.2965G>A, p.Gly989Ser (NM_001410.3); short protein forms G1056S, G989S.
Identifiers: ClinVar variation 4997694 (VCV004997694.1).